The following is an entry in ClinVar:

ClinVar aggregate classification (germline): Likely benign (0 of 4 stars; one submission).

Conditions:
FA2H-related disorder. Also called: FA2H-related condition.

Allele frequency attached by ClinVar (database versions not stated): TOPMed 0.00002; ExAC 0.00007.

Submission:

PreventionGenetics, part of Exact Sciences
Classification: Likely benign for FA2H-related condition. Last evaluated: 2019-08-19. Review status: no assertion criteria provided. Collection method: clinical testing. Allele origin: germline.
Comment: This variant is classified as likely benign based on ACMG/AMP sequence variant interpretation guidelines (Richards et al. 2015 PMID: 25741868, with internal and published modifications).

NM_024306.5(FA2H):c.966G>A (p.Ser322=)

Gene: FA2H (fatty acid 2-hydroxylase; minus strand). Cytogenetic location: 16q23.1.
Variant type: single nucleotide variant.
Coding change: c.966G>A on transcript NM_024306.5 (MANE Select); coding-DNA position 966, G replaced by A.
Protein change: p.Ser322=; no amino-acid change (serine 322 retained).
Molecular consequence: synonymous variant.
Genome position (GRCh38, 1-based): chr16:74,716,420, C>T on the plus strand (G>A on the coding strand, the complement: FA2H is on the minus strand). VCF-style: chr16-74716420-C-T. GRCh37 (hg19) VCF-style: chr16-74750318-C-T.
Identifiers: ClinVar variation 3052549 (VCV003052549.2), dbSNP rs766614299, ClinGen allele CA8170344.
Genomic context (GRCh38, chr16:74,716,420, plus strand): 5'-TGCAAAGTGGTGCTTGACGTGGTGGGCCTTCAGGCTGTACAGGTAGGAGCCCTTGTGCGG[C>T]GAGCCAAAGTGCAGGTAGTAATGGGTCATGTCATAGAGGACGTAGCCCAGGAGGCCCCCC-3'
Protein context (NP_077282.3, residues 312-332): DMTHYYLHFG[Ser322=]PHKGSYLYSL